The following is an entry in ClinVar:

NM_000059.4(BRCA2):c.8174G>A (p.Trp2725Ter)

Gene: BRCA2 (BRCA2 DNA repair associated; plus strand). Cytogenetic location: 13q13.1.
Variant type: single nucleotide variant.
Coding change: c.8174G>A on transcript NM_000059.4 (MANE Select); coding-DNA position 8174, G replaced by A.
Protein change: p.Trp2725Ter; replaces tryptophan 2725 with a stop codon.
Molecular consequence: nonsense.
Genome position (GRCh38, 1-based): chr13:32,363,376, G>A. VCF-style: chr13-32363376-G-A. GRCh37 (hg19) VCF-style: chr13-32937513-G-A.
Other names: p.W2725*:TGG>TAG; short protein forms W2725*.
Identifiers: ClinVar variation 182273 (VCV000182273.20), dbSNP rs730881581, ClinGen allele CA025488.
Genomic context (GRCh38, chr13:32,363,376, plus strand): 5'-GCAATAAAACTAGTAGTGCAGATACCCAAAAAGTGGCCATTATTGAACTTACAGATGGGT[G>A]GTATGCTGTTAAGGCCCAGTTAGATCCTCCCCTCTTAGCTGTCTTAAAGAATGGCAGACT-3'

ClinVar aggregate classification (germline): Pathogenic. Review status: reviewed by expert panel (3 of 4 stars). 10 submissions from 10 submitters: Pathogenic (1). 9 of the submissions do not count toward it. Last evaluated 2016-09-08.

Conditions:
Hereditary cancer-predisposing syndrome. Also called: Tumor predisposition; Hereditary Cancer Syndrome; Hereditary neoplastic syndrome; Neoplastic Syndromes, Hereditary. Identifiers: Orphanet 140162, MedGen C0027672, MeSH D009386, MONDO:0015356.
Hereditary breast ovarian cancer syndrome. Also called: Breast and ovarian cancer; Hereditary breast and ovarian cancer syndrome; Hereditary breast and ovarian cancer; BRCA1- and BRCA2-Associated Hereditary Breast and Ovarian Cancer; Hereditary breast and ovarian cancer syndrome (HBOC); Hereditary breast and/or ovarian cancer syndrome. Identifiers: Orphanet 145, MedGen C0677776, MeSH D061325, MONDO:0003582. Disease mechanism: loss of function.
Malignant tumor of urinary bladder. Also called: Urinary bladder cancer; Bladder cancer; Urinary Bladder Neoplasms. Identifiers: MedGen C0005684, MONDO:0001187, OMIM 109800.
Breast-ovarian cancer, familial, susceptibility to, 2 (BROVCA2). Also called: BRCA2 Hereditary Breast and Ovarian Cancer. Identifiers: Orphanet 145, MedGen C2675520, MONDO:0012933, OMIM 612555. Disease mechanism: loss of function.

Submissions (10):

Evidence-based Network for the Interpretation of Germline Mutant Alleles (ENIGMA)
Classification: Pathogenic for Breast-ovarian cancer, familial, susceptibility to, 2. Last evaluated: 2016-09-08. Review status: reviewed by expert panel. Criteria: ENIGMA BRCA1/2 Classification Criteria (2015). Collection method: curation. Allele origin: germline.
Comment: Variant allele predicted to encode a truncated non-functional protein.

Labcorp Genetics (formerly Invitae), Labcorp
Classification: Pathogenic for Hereditary breast ovarian cancer syndrome. Last evaluated: 2025-08-04. Review status: criteria provided, single submitter. Criteria: Invitae Variant Classification Sherloc (09022015). Collection method: clinical testing. Allele origin: germline. Not counted in ClinVar's aggregate classification.
Comment: This sequence change creates a premature translational stop signal (p.Trp2725*) in the BRCA2 gene. It is expected to result in an absent or disrupted protein product. Loss-of-function variants in BRCA2 are known to be pathogenic (PMID: 20104584). This variant is not present in population databases (gnomAD no frequency). This premature translational stop signal has been observed in individual(s) with a personal and/or family history of breast cancer (PMID: 22366370, 22923021, 26681312). ClinVar contains an entry for this variant (Variation ID: 182273). For these reasons, this variant has been classified as Pathogenic.

Ambry Genetics
Classification: Pathogenic for Hereditary cancer-predisposing syndrome. Last evaluated: 2025-04-18. Review status: criteria provided, single submitter. Criteria: Ambry Variant Classification Scheme 2023. Collection method: clinical testing. Allele origin: germline. Not counted in ClinVar's aggregate classification.
Comment: The p.W2725* pathogenic mutation (also known as c.8174G>A), located in coding exon 17 of the BRCA2 gene, results from a G to A substitution at nucleotide position 8174. This changes the amino acid from a tryptophan to a stop codon within coding exon 17. This alteration has been identified in individuals diagnosed with breast and/or ovarian cancer (Foglietta J et al. Genes (Basel), 2020 08;11:; Guindalini RSC et al. Sci Rep, 2022 Mar;12:4190). This alteration was also identified in a large, worldwide study of BRCA1/2 mutation positive families (Rebbeck TR et al. Hum Mutat, 2018 05;39:593-620). This variant is considered to be rare based on population cohorts in the Genome Aggregation Database (gnomAD). In addition to the clinical data presented in the literature, this alteration is expected to result in loss of function by premature protein truncation or nonsense-mediated mRNA decay. As such, this alteration is interpreted as a disease-causing mutation.

Women's Health and Genetics/Laboratory Corporation of America, LabCorp
Classification: Pathogenic for Hereditary breast ovarian cancer syndrome. Last evaluated: 2021-10-28. Review status: criteria provided, single submitter. Criteria: LabCorp Variant Classification Summary - May 2015. Collection method: clinical testing. Allele origin: germline. Not counted in ClinVar's aggregate classification.
Comment: Variant summary: BRCA2 c.8174G>A (p.Trp2725X) results in a premature termination codon, predicted to cause a truncation of the encoded protein or absence of the protein due to nonsense mediated decay, which are commonly known mechanisms for disease with this gene. Truncations downstream of this position have been classified as pathogenic by our laboratory. The variant was absent in 250998 control chromosomes. c.8174G>A has been reported in the literature in individuals affected with Hereditary Breast And Ovarian Cancer Syndrome (Susswein_2016, Rebbeck_2018). A different variant (c.8175G>A) with the same premature stop codon (p.Trp2725X) has been noted in 2 families with breast cancer (Levanat_2012). To our knowledge, no experimental evidence demonstrating an impact on protein function has been reported. Six clinical diagnostic laboratories have submitted clinical-significance assessments for this variant to ClinVar after 2014 without evidence for independent evaluation. All laboratories classified the variant as pathogenic. Based on the evidence outlined above, the variant was classified as pathogenic.

Color Diagnostics, LLC DBA Color Health
Classification: Pathogenic for Hereditary cancer-predisposing syndrome. Last evaluated: 2020-01-15. Review status: criteria provided, single submitter. Criteria: ACMG Guidelines, 2015. Collection method: clinical testing. Allele origin: germline. Not counted in ClinVar's aggregate classification.
Comment: This variant changes 1 nucleotide in exon 18 of the BRCA2 gene, creating a premature translation stop signal. This variant is expected to result in an absent or non-functional protein product. This variant has not been identified in the general population by the Genome Aggregation Database (gnomAD). Loss of BRCA2 function is a known mechanism of disease. Based on the available evidence, this variant is classified as Pathogenic.

Mendelics
Classification: Pathogenic for Hereditary breast and ovarian cancer syndrome. Last evaluated: 2018-07-02. Review status: criteria provided, single submitter. Criteria: Mendelics Assertion Criteria 2017. Collection method: clinical testing. Allele origin: unknown. Not counted in ClinVar's aggregate classification.

GeneDx
Classification: Pathogenic. Last evaluated: 2016-11-14. Review status: criteria provided, single submitter. Criteria: GeneDx Variant Classification (06012015). Collection method: clinical testing. Allele origin: germline. Affected: yes. Not counted in ClinVar's aggregate classification.
Comment: This variant is denoted BRCA2 c.8174G>A at the cDNA level and p.Trp2725Ter (W2725X) at the protein level. Using alternate nomenclature, this variant would be defined as BRCA2 8402G>A. The substitution creates a nonsense variant, which changes a Tryptophan to a premature stop codon (TGG>TAG), and is predicted to cause loss of normal protein function through either protein truncation or nonsense-mediated mRNA decay. This variant has been reported in at least one individual with breast cancer (Susswein 2015) and is considered pathogenic.

Consortium of Investigators of Modifiers of BRCA1/2 (CIMBA), c/o University of Cambridge
Classification: Pathogenic for Breast-ovarian cancer, familial, susceptibility to, 2. Last evaluated: 2015-10-02. Review status: criteria provided, single submitter. Criteria: CIMBA Mutation Classification guidelines May 2016. Collection method: clinical testing. Allele origin: germline. Not counted in ClinVar's aggregate classification.

Lifecell International Pvt. Ltd
Classification: Pathogenic for Breast-ovarian cancer, familial, susceptibility to, 2. Review status: criteria provided, single submitter. Criteria: ACMG Guidelines, 2015. Collection method: clinical testing. Allele origin: germline. Inheritance: Autosomal dominant inheritance. Affected: yes. Observed: 1 heterozygote. Not counted in ClinVar's aggregate classification.
Comment: A Heterozygous Nonsense variant c.8174G>A in Exon 18 of the BRCA2 gene that results in the amino acid substitution p.Trp2725* was identified. The observed variant is novel in gnomAD exomes and genomes, respectively. The reference base is conserved across the species and in-silico predictions by Polyphen, SIFT are tolerated. The severity of the impact of this variant on the protein is high, based on the effect of the protein and REVEL score . Rare Exome Variant Ensemble Learner (REVEL) is an ensembl method for predicting the pathogenicity of missense variants based on a combination of scores from 13 individual tools: MutPred, FATHMM v2.3, VEST 3.0, PolyPhen-2, SIFT, PROVEAN, MutationAssessor, MutationTaster, LRT, GERP++, SiPhy, phyloP, and phastCons. The REVEL score for an individual missense variant can range from 0 to 1, with higher scores reflecting greater likelihood that the variant is disease-causing. ClinVar has also classified this variant as Pathogenic.(Variant ID 18273). This variant has been previously reported in Susswein, Lisa R et al., 2015 Based on the above evidence this variant has been classified as Pathogenic according to the ACMG guidelines.

Laboratory of Urology, Hospital Clinic de Barcelona
Classification: Pathogenic for Malignant tumor of urinary bladder. Review status: no assertion criteria provided. Collection method: research. Allele origin: somatic. Affected: yes. Not counted in ClinVar's aggregate classification.

Literature cited by the submitters: PubMed 20104584 (cited by Labcorp Genetics (formerly Invitae), Labcorp); PubMed 22366370 (cited by Labcorp Genetics (formerly Invitae), Labcorp and Women's Health and Genetics/Laboratory Corporation of America, LabCorp); PubMed 22923021 (cited by Labcorp Genetics (formerly Invitae), Labcorp); PubMed 26681312 (cited by 3 submitters); PubMed 29446198 (cited by Ambry Genetics and Women's Health and Genetics/Laboratory Corporation of America, LabCorp); PubMed 32806537 (cited by Ambry Genetics and Women's Health and Genetics/Laboratory Corporation of America, LabCorp); PubMed 35264596 (cited by Ambry Genetics); PubMed 33804961 (cited by Women's Health and Genetics/Laboratory Corporation of America, LabCorp).